The following is an entry in ClinVar:

ClinVar aggregate classification (germline): Likely pathogenic (1 of 4 stars; one submission).

Conditions:
Autosomal recessive limb-girdle muscular dystrophy type 2J (LGMDR10). Also called: Limb-girdle muscular dystrophy, type 2J; MUSCULAR DYSTROPHY, LIMB-GIRDLE, AUTOSOMAL RECESSIVE 10. Identifiers: Orphanet 140922, MedGen C1837342, MONDO:0012127, OMIM 608807.
Dilated cardiomyopathy 1G (CMD1G). Identifiers: Orphanet 154, MedGen C1858763, MONDO:0011400, OMIM 604145.

Submission:

Labcorp Genetics (formerly Invitae), Labcorp
Classification: Likely pathogenic for Dilated cardiomyopathy 1G; Autosomal recessive limb-girdle muscular dystrophy type 2J. Last evaluated: 2024-08-06. Review status: criteria provided, single submitter. Criteria: Invitae Variant Classification Sherloc (09022015). Collection method: clinical testing. Allele origin: germline.
Comment: This sequence change creates a premature translational stop signal (p.Glu26984Serfs*2) in the TTN gene. While this is not anticipated to result in nonsense mediated decay, it is expected to create a truncated TTN protein. This variant is not present in population databases (gnomAD no frequency). This premature translational stop signal has been observed in individual(s) with dilated cardiomyopathy (Invitae). ClinVar contains an entry for this variant (Variation ID: 2020159). This variant is located in the A band of TTN (PMID: 25589632). Truncating variants in this region are significantly overrepresented in patients affected with dilated cardiomyopathy (PMID: 25589632). Truncating variants in this region have also been reported in individuals affected with autosomal recessive centronuclear myopathy (PMID: 23975875). In summary, the currently available evidence indicates that the variant is pathogenic, but additional data are needed to prove that conclusively. Therefore, this variant has been classified as Likely Pathogenic.

Literature cited by the submitters: PubMed 25589632; PubMed 23975875.

NM_001267550.2(TTN):c.80950_80951del (p.Glu26984fs)

Genes: TTN (titin; minus strand), TTN-AS1 (TTN antisense RNA 1; plus strand). Cytogenetic location: 2q31.2.
Variant type: Deletion.
Coding change: c.80950_80951del on transcript NM_001267550.2 (MANE Select); coding-DNA positions 80950 to 80951, 2 bases deleted (GA; older notation c.80950_80951delGA).
Protein change: p.Glu26984fs; shifts the reading frame from glutamic acid 26984.
Molecular consequence: frameshift variant.
Genome position (GRCh38, 1-based): chr2:178,565,181-178,565,182, TC deleted on the plus strand (GA on the coding strand, the reverse complement: TTN is on the minus strand). VCF-style (leftmost placement, unchanged base first): chr2-178565180-TTC-T. GRCh37 (hg19) VCF-style: chr2-179429907-TTC-T.
Other names: c.76027_76028del, p.Glu25343fs (NM_001256850.1); c.53755_53756del, p.Glu17919fs (NM_003319.4); c.73246_73247del, p.Glu24416fs (NM_133378.4); c.54130_54131del, p.Glu18044fs (NM_133432.3); c.54331_54332del, p.Glu18111fs (NM_133437.4); short protein forms E25343fs, E26984fs, E24416fs, E18044fs, E18111fs, E17919fs.
Identifiers: ClinVar variation 2020159 (VCV002020159.4), dbSNP rs2468236072, ClinGen allele CA2580064803.